The following is an entry in ClinVar:

NM_021096.4(CACNA1I):c.1454G>A (p.Arg485Gln)

Gene: CACNA1I (calcium voltage-gated channel subunit alpha1 I; plus strand). Cytogenetic location: 22q13.1.
Variant type: single nucleotide variant.
Coding change: c.1454G>A on transcript NM_021096.4 (MANE Select); coding-DNA position 1454, G replaced by A.
Protein change: p.Arg485Gln; replaces arginine 485 with glutamine.
Molecular consequence: missense variant.
Genome position (GRCh38, 1-based): chr22:39,646,873, G>A. VCF-style: chr22-39646873-G-A. GRCh37 (hg19) VCF-style: chr22-40042878-G-A.
Other names: c.1454G>A, p.Arg485Gln (NM_001003406.2); short protein forms R485Q.
Identifiers: ClinVar variation 2602180 (VCV002602180.4), dbSNP rs531582088, ClinGen allele CA10243836.

ClinVar aggregate classification (germline): Uncertain significance. Review status: criteria provided, single submitter (1 of 4 stars). 2 submissions from 2 submitters: Uncertain significance (1). 1 of the submissions does not count toward it. Last evaluated 2025-10-15.

Conditions:
Neurodevelopmental disorder with speech impairment and with or without seizures. Also called: Neurodevelopmental disorder with variable intellectual disability and speech impairment, with or without seizures. Identifiers: MedGen C5774252, MONDO:0859313, OMIM 620114.

Allele frequency attached by ClinVar (database versions not stated): TOPMed 0.00005; gnomAD exomes 0.00007; gnomAD 0.00008; 1000 Genomes Project 30x 0.00016; 1000 Genomes Project 0.00020; ExAC 0.00088.
gnomAD v4.1: 112 of 1,501,800 alleles (0.0075%); highest among the groups gnomAD compares: South Asian, 0.074%; 1 homozygote.

Submissions (2):

Ambry Genetics
Classification: Uncertain significance. Last evaluated: 2025-10-15. Review status: criteria provided, single submitter. Criteria: Ambry Variant Classification Scheme 2023. Collection method: clinical testing. Allele origin: germline.

Hong-Tao Li Lab, Institute of Brain Science and Brain-inspired Research, Shandong First Medical University & Shandong Academy of Medical Sciences China
Classification: Uncertain significance for Neurodevelopmental disorder with speech impairment and with or without seizures. Review status: no assertion criteria provided. Collection method: research. Allele origin: germline. Inheritance: Autosomal dominant inheritance. Affected: yes. Observed: 1 variant allele, 1 heterozygote. Not counted in ClinVar's aggregate classification.
Comment: Observed in affected individuals from a Pakistani neurodevelopmental-disorder research cohort of 263 individuals. Classification assigned using the ACMG/AMP framework. Population-frequency evidence: gnomAD AF 0.0001809.